The following is an entry in ClinVar:

ClinVar aggregate classification (germline): Benign. Review status: criteria provided, multiple submitters, no conflicts (2 of 4 stars). 9 submissions from 9 submitters: Benign (8). 1 of the submissions does not count toward it. Last evaluated 2026-02-04.

Conditions:
Familial dysautonomia. Also called: FD; HSAN III. Identifiers: Orphanet 1764, MedGen C0013364, MONDO:0009131, OMIM 223900. Disease mechanism: loss of function.

Allele frequency attached by ClinVar (database versions not stated): gnomAD exomes 0.06953; ExAC 0.07508; 1000 Genomes Project 0.07847; 1000 Genomes Project 30x 0.08136; gnomAD 0.09304 and 0.09637; TOPMed 0.09462; ESP Exome Variant Server 0.10372.
gnomAD v4.1: 124,107 of 1,611,036 alleles (7.7%); highest among the groups gnomAD compares: African/African-American, 15%; 5,569 homozygotes.

Submissions (9):

Labcorp Genetics (formerly Invitae), Labcorp
Classification: Benign. Last evaluated: 2026-02-04. Review status: criteria provided, single submitter. Criteria: Invitae Variant Classification Sherloc (09022015). Collection method: clinical testing. Allele origin: germline.

ARUP Laboratories, Molecular Genetics and Genomics, ARUP Laboratories
Classification: Benign. Last evaluated: 2025-06-24. Review status: criteria provided, single submitter. Criteria: ARUP Molecular Germline Variant Investigation Process 2024. Collection method: clinical testing. Allele origin: germline.

Mayo Clinic Laboratories, Mayo Clinic
Classification: Benign. Last evaluated: 2022-03-03. Review status: criteria provided, single submitter. Criteria: ACMG Guidelines, 2015. Collection method: clinical testing. Allele origin: germline. Observed: 258 variant alleles.

Genome-Nilou Lab
Classification: Benign for Familial dysautonomia. Last evaluated: 2021-07-01. Review status: criteria provided, single submitter. Criteria: ACMG Guidelines, 2015. Collection method: clinical testing. Allele origin: germline. Affected: no.

Illumina Laboratory Services, Illumina
Classification: Benign for Familial dysautonomia. Last evaluated: 2018-01-13. Review status: criteria provided, single submitter. Criteria: ICSL Variant Classification Criteria 13 December 2019. Collection method: clinical testing. Allele origin: germline.
Comment: This variant was observed in the ICSL laboratory as part of a predisposition screen in an ostensibly healthy population. It had not been previously curated by ICSL or reported in the Human Gene Mutation Database (HGMD: prior to June 1st, 2018), and was therefore a candidate for classification through an automated scoring system. Utilizing variant allele frequency, disease prevalence and penetrance estimates, and inheritance mode, an automated score was calculated to assess if this variant is too frequent to cause the disease. Based on the score and internal cut-off values, a variant classified as benign is not then subjected to further curation. The score for this variant resulted in a classification of benign for this disease.

GeneDx
Classification: Benign. Last evaluated: 2014-03-07. Review status: criteria provided, single submitter. Criteria: GeneDx Variant Classification (06012015). Collection method: clinical testing. Allele origin: germline. Affected: yes.
Comment: This variant is considered likely benign or benign based on one or more of the following criteria: it is a conservative change, it occurs at a poorly conserved position in the protein, it is predicted to be benign by multiple in silico algorithms, and/or has population frequency not consistent with disease.

Breakthrough Genomics
Classification: Benign. Review status: criteria provided, single submitter. Criteria: ACMG Guidelines, 2015. Collection method: not provided. Allele origin: germline. Inheritance: Autosomal recessive inheritance. Affected: yes.

PreventionGenetics, part of Exact Sciences
Classification: Benign. Review status: criteria provided, single submitter. Criteria: ACMG Guidelines, 2015. Collection method: clinical testing. Allele origin: germline.

Natera, Inc.
Classification: Benign for Familial dysautonomia. Last evaluated: 2017-05-10. Review status: no assertion criteria provided. Collection method: clinical testing. Allele origin: germline. Not counted in ClinVar's aggregate classification.

NM_003640.5(ELP1):c.1965C>T (p.Thr655=)

Gene: ELP1 (elongator acetyltransferase complex subunit 1; minus strand). Cytogenetic location: 9q31.3.
Variant type: single nucleotide variant.
Coding change: c.1965C>T on transcript NM_003640.5 (MANE Select); coding-DNA position 1965, C replaced by T.
Protein change: p.Thr655=; no amino-acid change (threonine 655 retained).
Molecular consequence: synonymous variant.
Genome position (GRCh38, 1-based): chr9:108,901,474, G>A on the plus strand (C>T on the coding strand, the complement: ELP1 is on the minus strand). VCF-style: chr9-108901474-G-A. GRCh37 (hg19) VCF-style: chr9-111663754-G-A.
Other names: p.T655T:ACC>ACT; p.Thr655=; c.1965C>T (LRG_251t1); c.1623C>T, p.Thr541= (NM_001318360.2); c.918C>T, p.Thr306= (NM_001330749.2).
Identifiers: ClinVar variation 137576 (VCV000137576.39), dbSNP rs2230791, ClinGen allele CA291223.
Genomic context (GRCh38, chr9:108,901,474, plus strand): 5'-TGAAAACTTACTTTTAAATGAAGCATCCCTCAGGCAAAAACACTGGCAGGTATGGGAATG[G>A]GTTGTCAACAATAAAAACTCATCATATACTGCAAATGACGTGATATTTGACGCAACCTGC-3'
Protein context (NP_003631.2, residues 645-665): AVYDEFLLLT[Thr655=]HSHTCQCFCL